The following is an entry in ClinVar:

ClinVar aggregate classification (germline): Uncertain significance (1 of 4 stars; one submission).

Submission:

Labcorp Genetics (formerly Invitae), Labcorp
Classification: Uncertain significance. Last evaluated: 2025-05-22. Review status: criteria provided, single submitter. Criteria: Invitae Variant Classification Sherloc (09022015). Collection method: clinical testing. Allele origin: germline.
Comment: This sequence change replaces asparagine, which is neutral and polar, with serine, which is neutral and polar, at codon 91 of the SMAD2 protein (p.Asn91Ser). This variant is not present in population databases (gnomAD no frequency). This variant has not been reported in the literature in individuals affected with SMAD2-related conditions. Invitae Evidence Modeling of protein sequence and biophysical properties (such as structural, functional, and spatial information, amino acid conservation, physicochemical variation, residue mobility, and thermodynamic stability) indicates that this missense variant is not expected to disrupt SMAD2 protein function with a negative predictive value of 95%. In summary, the available evidence is currently insufficient to determine the role of this variant in disease. Therefore, it has been classified as a Variant of Uncertain Significance.

NM_005901.6(SMAD2):c.272A>G (p.Asn91Ser)

Gene: SMAD2 (SMAD family member 2; minus strand). Cytogenetic location: 18q21.1.
Variant type: single nucleotide variant.
Coding change: c.272A>G on transcript NM_005901.6 (MANE Select); coding-DNA position 272, A replaced by G.
Protein change: p.Asn91Ser; replaces asparagine 91 with serine.
Molecular consequence: missense variant. On other transcripts: intron variant (1).
Genome position (GRCh38, 1-based): chr18:47,870,529, T>C on the plus strand (A>G on the coding strand, the complement: SMAD2 is on the minus strand). VCF-style: chr18-47870529-T-C. GRCh37 (hg19) VCF-style: chr18-45396900-T-C.
Other names: c.272A>G, p.Asn91Ser (NM_001003652.4); c.237-1093A>G (NM_001135937.3); short protein forms N91S.
Identifiers: ClinVar variation 4803013 (VCV004803013.1).
Genomic context (GRCh38, chr18:47,870,529, plus strand): 5'-ATTCACCTGGTTTGTTCAGAGAAGCTGTAAAGGCCTGTTGTATCCCACTGATCTATCGTA[T>C]TTGGTGTACTCAGTCCCCAAATTTCAGAGCAAGTGCTGTGCATAAATTGAAAAACAAAAA-3'
Protein context (NP_005892.1, residues 81-101): CSEIWGLSTP[Asn91Ser]TIDQWDTTGL